The following is an entry in ClinVar:

NM_015915.5(ATL1):c.115A>G (p.Ile39Val)

Gene: ATL1 (atlastin GTPase 1; plus strand). Cytogenetic location: 14q22.1.
Variant type: single nucleotide variant.
Coding change: c.115A>G on transcript NM_015915.5 (MANE Select); coding-DNA position 115, A replaced by G.
Protein change: p.Ile39Val; replaces isoleucine 39 with valine.
Molecular consequence: missense variant.
Genome position (GRCh38, 1-based): chr14:50,587,911, A>G. VCF-style: chr14-50587911-A-G. GRCh37 (hg19) VCF-style: chr14-51054629-A-G.
Other names: c.115A>G, p.Ile39Val (NM_001127713.1, NM_181598.4); c.115A>G (NM_015915.4); short protein forms I39V.
Identifiers: ClinVar variation 1496727 (VCV001496727.10), dbSNP rs756464141, ClinGen allele CA7180173.

ClinVar aggregate classification (germline): Uncertain significance. Review status: criteria provided, multiple submitters, no conflicts (2 of 4 stars). 3 submissions from 3 submitters: Uncertain significance (3). Last evaluated 2025-04-23.

Conditions:
Inborn genetic diseases. Identifiers: MedGen C0950123, MeSH D030342.
Hereditary spastic paraplegia 3A (SPG3A). Also called: SPASTIC PARAPLEGIA 3, AUTOSOMAL DOMINANT; FAMILIAL SPASTIC PARAPLEGIA, AUTOSOMAL DOMINANT, 1; SPG3; STRUMPELL DISEASE; Spastic Paraplegia 3A; Spastic paraplegia 3A, autosomal dominant. Identifiers: Orphanet 100984, MedGen C2931355, MONDO:0008437, OMIM 182600.

Allele frequency attached by ClinVar (database versions not stated): gnomAD exomes 0.00001 and 0.00002; TOPMed 0.00001; ExAC 0.00002.
gnomAD v4.1: 35 of 1,614,164 alleles (0.0022%); highest among the groups gnomAD compares: Middle Eastern, 0.017%; no homozygotes.

Submissions (3):

Labcorp Genetics (formerly Invitae), Labcorp
Classification: Uncertain significance for Hereditary spastic paraplegia 3A. Last evaluated: 2025-04-23. Review status: criteria provided, single submitter. Criteria: Invitae Variant Classification Sherloc (09022015). Collection method: clinical testing. Allele origin: germline.
Comment: This sequence change replaces isoleucine, which is neutral and non-polar, with valine, which is neutral and non-polar, at codon 39 of the ATL1 protein (p.Ile39Val). This variant is present in population databases (rs756464141, gnomAD 0.006%). This variant has not been reported in the literature in individuals affected with ATL1-related conditions. ClinVar contains an entry for this variant (Variation ID: 1496727). An algorithm developed to predict the effect of missense changes on protein structure and function outputs the following: PolyPhen-2: "Benign". The valine amino acid residue is found in multiple mammalian species, which suggests that this missense change does not adversely affect protein function. In summary, the available evidence is currently insufficient to determine the role of this variant in disease. Therefore, it has been classified as a Variant of Uncertain Significance.

Ambry Genetics
Classification: Uncertain significance for Inborn genetic diseases. Last evaluated: 2025-04-20. Review status: criteria provided, single submitter. Criteria: Ambry Variant Classification Scheme 2023. Collection method: clinical testing. Allele origin: germline.

GeneDx
Classification: Uncertain significance. Last evaluated: 2025-03-19. Review status: criteria provided, single submitter. Criteria: GeneDx Variant Classification Process June 2021. Collection method: clinical testing. Allele origin: germline. Affected: yes.
Comment: In silico analysis indicates that this missense variant does not alter protein structure/function; Has not been previously published as pathogenic or benign to our knowledge; This variant is associated with the following publications: (PMID: 23334294)